The following is an entry in ClinVar:

NM_201599.3(ZMYM3):c.3507C>T (p.Asn1169=)

Gene: ZMYM3 (zinc finger MYM-type containing 3; minus strand). Cytogenetic location: Xq13.1.
Variant type: single nucleotide variant.
Coding change: c.3507C>T on transcript NM_201599.3 (MANE Select); coding-DNA position 3507, C replaced by T.
Protein change: p.Asn1169=; no amino-acid change (asparagine 1169 retained).
Molecular consequence: synonymous variant.
Genome position (GRCh38, 1-based): chrX:71,243,010, G>A on the plus strand (C>T on the coding strand, the complement: ZMYM3 is on the minus strand). VCF-style: chrX-71243010-G-A. GRCh37 (hg19) VCF-style: chrX-70462860-G-A.
Other names: c.3471C>T, p.Asn1157= (NM_001171162.1); c.3507C>T, p.Asn1169= (NM_005096.3); c.3507C>T (NM_201599.2).
Identifiers: ClinVar variation 2660860 (VCV002660860.25), dbSNP rs141256730, ClinGen allele CA10445452.

ClinVar aggregate classification (germline): Likely benign. Review status: criteria provided, single submitter (1 of 4 stars). 2 submissions from 2 submitters: Likely benign (1). 1 of the submissions does not count toward it. Last evaluated 2022-09-01.

Conditions:
ZMYM3-related disorder. Also called: ZMYM3-related condition.

Allele frequency attached by ClinVar (database versions not stated): gnomAD 0.00072; TOPMed 0.00074; gnomAD exomes 0.00005; ExAC 0.00024; 1000 Genomes Project 0.00026; 1000 Genomes Project 30x 0.00042; ESP Exome Variant Server 0.00066.
gnomAD v4.1: 135 of 1,209,686 alleles (0.011%); highest among the groups gnomAD compares: African/African-American, 0.23%; no homozygotes.

Submissions (2):

CeGaT Center for Human Genetics Tuebingen
Classification: Likely benign. Last evaluated: 2022-09-01. Review status: criteria provided, single submitter. Criteria: CeGaT Center For Human Genetics Tuebingen Variant Classification Criteria Version 2. Collection method: clinical testing. Allele origin: germline. Affected: yes. Observed: 1 variant allele.
Comment: ZMYM3: BP4, BP7

PreventionGenetics, part of Exact Sciences
Classification: Likely benign for ZMYM3-related condition. Last evaluated: 2019-09-30. Review status: no assertion criteria provided. Collection method: clinical testing. Allele origin: germline. Not counted in ClinVar's aggregate classification.
Comment: This variant is classified as likely benign based on ACMG/AMP sequence variant interpretation guidelines (Richards et al. 2015 PMID: 25741868, with internal and published modifications).